The following is an entry in ClinVar:

NM_174936.4(PCSK9):c.148G>C (p.Asp50His)

Gene: PCSK9 (proprotein convertase subtilisin/kexin type 9; plus strand). Cytogenetic location: 1p32.3.
Variant type: single nucleotide variant.
Coding change: c.148G>C on transcript NM_174936.4 (MANE Select); coding-DNA position 148, G replaced by C.
Protein change: p.Asp50His; replaces aspartic acid 50 with histidine.
Molecular consequence: missense variant. On other transcripts: 5 prime UTR variant (1), non-coding transcript variant (8).
Genome position (GRCh38, 1-based): chr1:55,039,985, G>C. VCF-style: chr1-55039985-G-C. GRCh37 (hg19) VCF-style: chr1-55505658-G-C.
Other names: c.148G>C, p.Asp50His (NM_001407240.1, NM_001407241.1, NM_001407242.1 and 4 more transcripts); c.-587G>C (NM_001407246.1); short protein forms D50H.
Identifiers: ClinVar variation 3073952 (VCV003073952.1), dbSNP rs2523164898, ClinGen allele CA340482870.

ClinVar aggregate classification (germline): Uncertain significance (1 of 4 stars; one submission).

Conditions:
Hypercholesterolemia, autosomal dominant, 3 (FHCL3). Also called: Familial Hypercholesterolemia, Autosomal Dominant, 3; PCSK9-Related Familial Hypercholesterolemia, Autosomal Dominant; Familial hypercholesterolemia 3. Identifiers: MedGen C1863551, MONDO:0011369, OMIM 603776.

Submission:

All of Us Research Program, National Institutes of Health
Classification: Uncertain significance for Hypercholesterolemia, autosomal dominant, 3. Last evaluated: 2023-11-30. Review status: criteria provided, single submitter. Criteria: ACMG Guidelines, 2015. Collection method: clinical testing. Allele origin: germline. Inheritance: Autosomal dominant inheritance. Observed: 1 variant allele, 1 heterozygote.
Comment: This study involves interpretation of variants in research participants for the purpose of population health screening. Participant phenotype was not available at the time of variant classification. Additional details can be found in publication PMID: 35346344, PMCID: PMC8962531